The following is an entry in ClinVar:

NM_000057.4(BLM):c.377C>T (p.Pro126Leu)

Gene: BLM (BLM RecQ like helicase; plus strand). Cytogenetic location: 15q26.1.
Variant type: single nucleotide variant.
Coding change: c.377C>T on transcript NM_000057.4 (MANE Select); coding-DNA position 377, C replaced by T.
Protein change: p.Pro126Leu; replaces proline 126 with leucine.
Molecular consequence: missense variant. On other transcripts: 5 prime UTR variant (1).
Genome position (GRCh38, 1-based): chr15:90,749,645, C>T. VCF-style: chr15-90749645-C-T. GRCh37 (hg19) VCF-style: chr15-91292875-C-T.
Other names: c.377C>T, p.Pro126Leu (NM_001287246.2, NM_001287247.2); c.-915C>T (NM_001287248.2); short protein forms P126L.
Identifiers: ClinVar variation 405321 (VCV000405321.16), dbSNP rs1060500650, ClinGen allele CA16614773.

ClinVar aggregate classification (germline): Uncertain significance. Review status: criteria provided, multiple submitters, no conflicts (2 of 4 stars). 4 submissions from 4 submitters: Uncertain significance (3). 1 of the submissions does not count toward it. Last evaluated 2025-03-22.

Conditions:
Hereditary cancer-predisposing syndrome. Also called: Hereditary Cancer Syndrome; Hereditary neoplastic syndrome; Neoplastic Syndromes, Hereditary; Tumor predisposition. Identifiers: Orphanet 140162, MedGen C0027672, MeSH D009386, MONDO:0015356.
Bloom syndrome (BLM). Also called: Bloom-Torre-Machacek syndrome. Identifiers: Orphanet 125, MedGen C0005859, MONDO:0008876, OMIM 210900.

Allele frequency attached by ClinVar (database versions not stated): gnomAD exomes below 0.00001; gnomAD 0.00001; TOPMed 0.00003.
gnomAD v4.1: 24 of 1,613,980 alleles (0.0015%); highest among the groups gnomAD compares: Non-Finnish European, 0.0019%; no homozygotes.

Submissions (4):

Ambry Genetics
Classification: Uncertain significance for Hereditary cancer-predisposing syndrome. Last evaluated: 2025-03-22. Review status: criteria provided, single submitter. Criteria: Ambry Variant Classification Scheme 2023. Collection method: clinical testing. Allele origin: germline.
Comment: The p.P126L variant (also known as c.377C>T), located in coding exon 2 of the BLM gene, results from a C to T substitution at nucleotide position 377. The proline at codon 126 is replaced by leucine, an amino acid with similar properties. This amino acid position is not well conserved in available vertebrate species. In addition, this alteration is predicted to be tolerated by in silico analysis. Since supporting evidence is limited at this time, the clinical significance of this alteration remains unclear.

Labcorp Genetics (formerly Invitae), Labcorp
Classification: Uncertain significance for Bloom syndrome. Last evaluated: 2024-12-12. Review status: criteria provided, single submitter. Criteria: Invitae Variant Classification Sherloc (09022015). Collection method: clinical testing. Allele origin: germline.
Comment: This sequence change replaces proline, which is neutral and non-polar, with leucine, which is neutral and non-polar, at codon 126 of the BLM protein (p.Pro126Leu). This variant is present in population databases (no rsID available, gnomAD 0.002%). This variant has not been reported in the literature in individuals affected with BLM-related conditions. ClinVar contains an entry for this variant (Variation ID: 405321). An algorithm developed to predict the effect of missense changes on protein structure and function outputs the following: PolyPhen-2: "Benign". The leucine amino acid residue is found in multiple mammalian species, which suggests that this missense change does not adversely affect protein function. In summary, the available evidence is currently insufficient to determine the role of this variant in disease. Therefore, it has been classified as a Variant of Uncertain Significance.

Quest Diagnostics Nichols Institute San Juan Capistrano
Classification: Uncertain significance. Last evaluated: 2023-08-03. Review status: criteria provided, single submitter. Criteria: Quest Diagnostics criteria. Collection method: clinical testing. Allele origin: unknown.
Comment: This variant has not been reported in the published literature. The frequency of this variant in the general population, 0.0000071 (2/282654 chromosomes (Genome Aggregation Database)), is uninformative in the assessment of its pathogenicity. Analysis of this variant using bioinformatics tools for the prediction of the effect of amino acid changes on protein structure and function yielded predictions that this variant is benign. Based on the available information, we are unable to determine the clinical significance of this variant.

Natera, Inc.
Classification: Uncertain significance for Bloom syndrome. Last evaluated: 2018-07-03. Review status: no assertion criteria provided. Collection method: clinical testing. Allele origin: germline. Not counted in ClinVar's aggregate classification.